The following is an entry in ClinVar:

NM_003072.5(SMARCA4):c.1290G>A (p.Leu430=)

Gene: SMARCA4 (SWI/SNF related BAF chromatin remodeling complex subunit ATPase 4; plus strand). Cytogenetic location: 19p13.2.
Variant type: single nucleotide variant.
Coding change: c.1290G>A on transcript NM_003072.5 (MANE Select); coding-DNA position 1290, G replaced by A.
Protein change: p.Leu430=; no amino-acid change (leucine 430 retained).
Molecular consequence: synonymous variant. On other transcripts: non-coding transcript variant (1).
Genome position (GRCh38, 1-based): chr19:10,991,194, G>A. VCF-style: chr19-10991194-G-A. GRCh37 (hg19) VCF-style: chr19-11101870-G-A.
Other names: c.1290G>A, p.Leu430= (NM_001128844.3, NM_001128845.2, NM_001128846.2 and 5 more transcripts); c.1290G>A (NM_001128849.1).
Identifiers: ClinVar variation 1101433 (VCV001101433.11), dbSNP rs1421114940, ClinGen allele CA505490081.
Genomic context (GRCh38, chr19:10,991,194, plus strand): 5'-CTCTTCCCTCCTACAGCTGCGCCAGGAGGTGGTGGTGTGCATGCGGAGGGACACAGCGCT[G>A]GAGACAGCCCTCAATGCTAAGGCCTACAAGCGCAGCAAGCGCCAGTCCCTGCGCGAGGCC-3'
Protein context (NP_003063.2, residues 420-440): VVVCMRRDTA[Leu430=]ETALNAKAYK

ClinVar aggregate classification (germline): Benign/Likely benign. Review status: criteria provided, multiple submitters, no conflicts (2 of 4 stars). 3 submissions from 3 submitters: Benign (1); Likely benign (2). Last evaluated 2026-07-10.

Conditions:
Hereditary cancer-predisposing syndrome. Also called: Hereditary Cancer Syndrome; Hereditary neoplastic syndrome; Neoplastic Syndromes, Hereditary; Tumor predisposition. Identifiers: Orphanet 140162, MedGen C0027672, MeSH D009386, MONDO:0015356.
Rhabdoid tumor predisposition syndrome 2 (RTPS2). Identifiers: Orphanet 231108, Orphanet 69077, MedGen C2750074, MONDO:0013224, OMIM 613325.

Allele frequency attached by ClinVar (database versions not stated): TOPMed below 0.00001; gnomAD 0.00001.
gnomAD v4.1: 1 of 1,613,804 alleles (0.000062%); highest among the groups gnomAD compares: East Asian, 0.0022%; no homozygotes.

Submissions (3):

Myriad Genetics, Inc.
Classification: Benign for Rhabdoid tumor predisposition syndrome 2. Last evaluated: 2026-07-10. Review status: criteria provided, single submitter. Criteria: Myriad Autosomal Dominant, Autosomal Recessive and X-Linked Classification Criteria (2023). Collection method: clinical testing. Allele origin: unknown.
Comment: This variant is considered benign. This variant is a silent/synonymous amino acid change and it is not expected to impact splicing.

Ambry Genetics
Classification: Likely benign for Hereditary cancer-predisposing syndrome. Last evaluated: 2024-09-30. Review status: criteria provided, single submitter. Criteria: Ambry Variant Classification Scheme 2023. Collection method: clinical testing. Allele origin: germline.

Labcorp Genetics (formerly Invitae), Labcorp
Classification: Likely benign for Rhabdoid tumor predisposition syndrome 2. Last evaluated: 2023-05-02. Review status: criteria provided, single submitter. Criteria: Invitae Variant Classification Sherloc (09022015). Collection method: clinical testing. Allele origin: germline.